The following is an entry in ClinVar:

NM_001379500.1(COL18A1):c.126G>A (p.Val42=)

Gene: COL18A1 (collagen type XVIII alpha 1 chain; plus strand). Cytogenetic location: 21q22.3.
Variant type: single nucleotide variant.
Coding change: c.126G>A on transcript NM_001379500.1 (MANE Select); coding-DNA position 126, G replaced by A.
Protein change: p.Val42=; no amino-acid change (valine 42 retained).
Molecular consequence: synonymous variant.
Genome position (GRCh38, 1-based): chr21:45,468,261, G>A. VCF-style: chr21-45468261-G-A. GRCh37 (hg19) VCF-style: chr21-46888175-G-A.
Other names: NM_130445.2:c.126G>A; NM_130445.3:c.126G>A; c.666G>A, p.Val222= (NM_030582.4); c.1371G>A, p.Val457= (NM_130444.3).
Identifiers: ClinVar variation 340191 (VCV000340191.16), dbSNP rs115800039, ClinGen allele CA10065681.
Genomic context (GRCh38, chr21:45,468,261, plus strand): 5'-GTCCTGCACAGCCACCTCACCAGCTGTCTTTCTTTTTGCAGAGCGCATCAGCGAGGAGGT[G>A]GGGCTGCTGCAGCTCCTTGGGGACCCCCCGCCCCAGCAGGTCACCCAGACGGATGACCCC-3'
Protein context (NP_001366429.1, residues 32-52): SAEPERISEE[Val42=]GLLQLLGDPP

ClinVar aggregate classification (germline): Benign. Review status: criteria provided, multiple submitters, no conflicts (2 of 4 stars). 3 submissions from 3 submitters: Benign (3). Last evaluated 2026-02-03.

Conditions:
Knobloch syndrome (KNO). Also called: RETINAL DETACHMENT AND OCCIPITAL ENCEPHALOCELE; Myopia retinal detachment encephalocele. Identifiers: Orphanet 1571, MedGen C1849409, MONDO:0800166.

Allele frequency attached by ClinVar (database versions not stated): gnomAD exomes 0.00093 and 0.00250; ExAC 0.00307; gnomAD 0.01055 and 0.01130; 1000 Genomes Project 0.01078; ESP Exome Variant Server 0.01198; 1000 Genomes Project 30x 0.01093; TOPMed 0.01179.
gnomAD v4.1: 3,019 of 1,613,060 alleles (0.19%); highest among the groups gnomAD compares: African/African-American, 3.6%; 59 homozygotes.

Submissions (3):

Labcorp Genetics (formerly Invitae), Labcorp
Classification: Benign. Last evaluated: 2026-02-03. Review status: criteria provided, single submitter. Criteria: Invitae Variant Classification Sherloc (09022015). Collection method: clinical testing. Allele origin: germline.

Illumina Laboratory Services, Illumina
Classification: Benign for Knobloch syndrome 1. Last evaluated: 2018-01-12. Review status: criteria provided, single submitter. Criteria: ICSL Variant Classification Criteria 13 December 2019. Collection method: clinical testing. Allele origin: germline.
Comment: This variant was observed in the ICSL laboratory as part of a predisposition screen in an ostensibly healthy population. It had not been previously curated by ICSL or reported in the Human Gene Mutation Database (HGMD: prior to June 1st, 2018), and was therefore a candidate for classification through an automated scoring system. Utilizing variant allele frequency, disease prevalence and penetrance estimates, and inheritance mode, an automated score was calculated to assess if this variant is too frequent to cause the disease. Based on the score and internal cut-off values, a variant classified as benign is not then subjected to further curation. The score for this variant resulted in a classification of benign for this disease.

Breakthrough Genomics
Classification: Benign. Review status: criteria provided, single submitter. Criteria: ACMG Guidelines, 2015. Collection method: not provided. Allele origin: germline. Inheritance: Autosomal recessive inheritance. Affected: yes.